The following is an entry in ClinVar:

ClinVar aggregate classification (germline): Uncertain significance (1 of 4 stars; one submission).

Conditions:
Neurofibromatosis, type 1 (NF1). Also called: VON RECKLINGHAUSEN DISEASE; NEUROFIBROMATOSIS, TYPE I, SOMATIC; Neurofibromatosis, type I; Peripheral type neurofibromatosis. Identifiers: Orphanet 636, MedGen C0027831, MONDO:0018975, OMIM 162200. Disease mechanism: loss of function.

Submission:

Labcorp Genetics (formerly Invitae), Labcorp
Classification: Uncertain significance for Neurofibromatosis, type 1. Last evaluated: 2022-09-28. Review status: criteria provided, single submitter. Criteria: Invitae Variant Classification Sherloc (09022015). Collection method: clinical testing. Allele origin: germline.
Comment: This sequence change falls in intron 44 of the NF1 gene. It does not directly change the encoded amino acid sequence of the NF1 protein. In summary, the available evidence is currently insufficient to determine the role of this variant in disease. Therefore, it has been classified as a Variant of Uncertain Significance. Algorithms developed to predict the effect of sequence changes on RNA splicing suggest that this variant may disrupt the consensus splice site. This variant has not been reported in the literature in individuals affected with NF1-related conditions. This variant is not present in population databases (gnomAD no frequency).

NM_001042492.3(NF1):c.6820-14T>G

Gene: NF1 (neurofibromin 1; plus strand). Cytogenetic location: 17q11.2.
Variant type: single nucleotide variant.
Coding change: c.6820-14T>G on transcript NM_001042492.3 (MANE Select); 14 bases into the intron before coding-DNA position 6820, T replaced by G.
Molecular consequence: intron variant.
Genome position (GRCh38, 1-based): chr17:31,338,690, T>G. VCF-style: chr17-31338690-T-G. GRCh37 (hg19) VCF-style: chr17-29665708-T-G.
Other names: c.6757-14T>G (NM_000267.4).
Identifiers: ClinVar variation 2033192 (VCV002033192.4), dbSNP rs2508762195, ClinGen allele CA2580093154.